The following is an entry in ClinVar:

ClinVar aggregate classification (germline): Likely benign (1 of 4 stars; one submission).

gnomAD v4.1: 2 of 1,614,146 alleles (0.00012%); highest among the groups gnomAD compares: Non-Finnish European, 0.000085%; no homozygotes.

Submission:

GeneDx
Classification: Likely benign. Last evaluated: 2017-01-24. Review status: criteria provided, single submitter. Criteria: GeneDx Variant Classification (06012015). Collection method: clinical testing. Allele origin: germline. Affected: yes.
Comment: This variant is considered likely benign or benign based on one or more of the following criteria: it is a conservative change, it occurs at a poorly conserved position in the protein, it is predicted to be benign by multiple in silico algorithms, and/or has population frequency not consistent with disease.

NM_000093.5(COL5A1):c.5371-19C>T

Genes: COL5A1 (collagen type V alpha 1 chain; plus strand), LOC101448202 (uncharacterized LOC101448202; minus strand). Cytogenetic location: 9q34.3.
Variant type: single nucleotide variant.
Coding change: c.5371-19C>T on transcript NM_000093.5 (MANE Select); 19 bases into the intron before coding-DNA position 5371, C replaced by T.
Molecular consequence: intron variant.
Genome position (GRCh38, 1-based): chr9:134,842,138, C>T. VCF-style: chr9-134842138-C-T. GRCh37 (hg19) VCF-style: chr9-137733984-C-T.
Other names: c.5371-19C>T (NM_001278074.1).
Identifiers: ClinVar variation 517694 (VCV000517694.1), dbSNP rs1554727355, ClinGen allele CA658797361.
Genomic context (GRCh38, chr9:134,842,138, plus strand): 5'-AGATTGTGGGGGGTGATTGGTAAACCCCAAGACCCCCAACTGTTCTTAACCACCGGCCAT[C>T]TGTCTCCCTCTTCCCCAGACCAAGAAAGGCTACCAGAAGACGGTTCTGGAGATCGACACC-3'